The following is an entry in ClinVar:

NM_000038.6(APC):c.2585A>T (p.Asn862Ile)

Gene: APC (APC regulator of Wnt signaling pathway; plus strand). Cytogenetic location: 5q22.2.
Variant type: single nucleotide variant.
Coding change: c.2585A>T on transcript NM_000038.6 (MANE Select); coding-DNA position 2585, A replaced by T.
Protein change: p.Asn862Ile; replaces asparagine 862 with isoleucine.
Molecular consequence: missense variant. On other transcripts: non-coding transcript variant (2).
Genome position (GRCh38, 1-based): chr5:112,838,179, A>T. VCF-style: chr5-112838179-A-T. GRCh37 (hg19) VCF-style: chr5-112173876-A-T.
Other names: c.2585A>T, p.Asn862Ile (NM_001127510.3, NM_001354895.2, NM_001407450.1); c.2531A>T, p.Asn844Ile (NM_001127511.3); c.2639A>T, p.Asn880Ile (NM_001354896.2, NM_001407447.1, NM_001407448.1 and 1 more transcripts); c.2615A>T, p.Asn872Ile (NM_001354897.2); c.2564A>T, p.Asn855Ile (NM_001407451.1); c.2555A>T, p.Asn852Ile (NM_001407452.1); c.2408A>T, p.Asn803Ile (NM_001407453.1, NM_001354901.2); c.2336A>T, p.Asn779Ile (NM_001407454.1, NM_001407455.1, NM_001407456.1 and 1 more transcripts); and 11 more; short protein forms N761I, N821I, N837I, N844I, N872I, N702I, N803I, N834I.
Identifiers: ClinVar variation 3305842 (VCV003305842.1).
Genomic context (GRCh38, chr5:112,838,179, plus strand): 5'-ATAGTTCTCGTTCTGAAAAAGATAGAAGTTTGGAGAGAGAACGCGGAATTGGTCTAGGCA[A>T]CTACCATCCAGCAACAGAAAATCCAGGAACTTCTTCAAAGCGAGGTTTGCAGATCTCCAC-3'
Protein context (NP_000029.2, residues 852-872): LERERGIGLG[Asn862Ile]YHPATENPGT

ClinVar aggregate classification (germline): Uncertain significance (1 of 4 stars; one submission).

Conditions:
Hereditary cancer-predisposing syndrome. Also called: Tumor predisposition; Hereditary Cancer Syndrome; Hereditary neoplastic syndrome; Neoplastic Syndromes, Hereditary. Identifiers: Orphanet 140162, MedGen C0027672, MeSH D009386, MONDO:0015356.

Submission:

Ambry Genetics
Classification: Uncertain significance for Hereditary cancer-predisposing syndrome. Last evaluated: 2024-06-13. Review status: criteria provided, single submitter. Criteria: Ambry Variant Classification Scheme 2023. Collection method: clinical testing. Allele origin: germline.
Comment: The p.N862I variant (also known as c.2585A>T), located in coding exon 15 of the APC gene, results from an A to T substitution at nucleotide position 2585. The asparagine at codon 862 is replaced by isoleucine, an amino acid with dissimilar properties. This amino acid position is conserved. In addition, in silico predictors for this gene do not accurately predict pathogenicity. Based on the available evidence, the clinical significance of this variant remains unclear.